The following is an entry in ClinVar:

ClinVar aggregate classification (germline): Uncertain significance (1 of 4 stars; one submission).

Conditions:
Neurodevelopmental disorder. Identifiers: MedGen C1535926, MeSH D065886, MONDO:0700092.

Allele frequency attached by ClinVar (database versions not stated): ExAC 0.00002; TOPMed 0.00003.
gnomAD v4.1: 37 of 1,584,878 alleles (0.0023%); highest among the groups gnomAD compares: Non-Finnish European, 0.0027%; no homozygotes.

Submission:

Broad Center for Mendelian Genomics, Broad Institute of MIT and Harvard
Classification: Uncertain significance for Neurodevelopmental disorder. Last evaluated: 2024-06-19. Review status: criteria provided, single submitter. Criteria: ACMG Guidelines, 2015. Collection method: curation. Allele origin: germline. Inheritance: Autosomal recessive inheritance. Study: GREGoR Consortium.
Comment: While this gene is still lacking sufficient evidence to establish a gene-disease relationship, we believe this is a possible novel gene candidate for neurodevelopmental disorders. Given the limited information about this gene-disease relationship, the significance of the p.Arg90del variant is uncertain. If you have any additional information about functional evidence or other individuals with this phenotype that also have variants in CCDC15 we encourage you to reach out to us.

NM_025004.3(CCDC15):c.268C>T (p.Arg90Ter)

Gene: CCDC15 (coiled-coil domain containing 15; plus strand). Cytogenetic location: 11q24.2.
Variant type: single nucleotide variant.
Coding change: c.268C>T on transcript NM_025004.3 (MANE Select); coding-DNA position 268, C replaced by T.
Protein change: p.Arg90Ter; replaces arginine 90 with a stop codon.
Molecular consequence: nonsense.
Genome position (GRCh38, 1-based): chr11:124,959,205, C>T. VCF-style: chr11-124959205-C-T. GRCh37 (hg19) VCF-style: chr11-124829101-C-T.
Other names: NM_025004.3:c.268C>T; short protein forms R90*.
Identifiers: ClinVar variation 3252068 (VCV003252068.1), dbSNP rs755396322.